The following is an entry in ClinVar:

NM_001291303.3(FAT4):c.2230del (p.Val744fs)

Gene: FAT4 (FAT atypical cadherin 4; plus strand). Cytogenetic location: 4q28.1.
Variant type: Deletion.
Coding change: c.2230del on transcript NM_001291303.3 (MANE Select); coding-DNA position 2230, one base deleted (G; older notation c.2230delG).
Protein change: p.Val744fs; shifts the reading frame from valine 744.
Molecular consequence: frameshift variant. On other transcripts: intron variant (1).
Genome position (GRCh38, 1-based): chr4:125,318,641, G deleted; the last of 4 consecutive G bases (chr4:125,318,638-125,318,641); deleting any one gives the same sequence. VCF-style (leftmost placement, unchanged base first): chr4-125318637-TG-T. GRCh37 (hg19) VCF-style: chr4-126239792-TG-T.
Other names: c.2230del, p.Val744fs (NM_001291285.3, NM_001438396.1, NM_001438397.1 and 1 more transcripts); c.-55+2664del (NM_001437895.1); short protein forms V744fs.
Identifiers: ClinVar variation 4884240 (VCV004884240.2).

ClinVar aggregate classification (germline): Likely pathogenic (1 of 4 stars; one submission).

Submission:

Dasa
Classification: Likely pathogenic. Last evaluated: 2024-07-17. Review status: criteria provided, single submitter. Criteria: DASA Assertion Criteria. Collection method: clinical testing. Allele origin: germline.
Comment: NM_001291303.3(FAT4):c.2230del (p.Val744Leufs*8) is a frameshift variant in FAT4 predicted to alter the reading frame and introduce a premature termination codon and is predicted to result in an absent or altered protein product. Loss of function is an established disease mechanism for FAT4-associated disorders. Also, this variant is absent from population databases. Based on the currently available evidence, this variant is classified as likely pathogenic.